The following is an entry in ClinVar:

NM_198334.3(GANAB):c.174_175del (p.Pro59fs)

Gene: GANAB (glucosidase II alpha subunit; minus strand). Cytogenetic location: 11q12.3.
Variant type: Microsatellite.
Coding change: c.174_175del on transcript NM_198334.3 (MANE Select); coding-DNA positions 174 to 175, 2 bases deleted (TC; older notation c.174_175delTC).
Protein change: p.Pro59fs; shifts the reading frame from proline 59.
Molecular consequence: frameshift variant. On other transcripts: 5 prime UTR variant (4), intron variant (3).
Genome position (GRCh38, 1-based): chr11:62,639,436-62,639,437, GA deleted on the plus strand (TC on the coding strand, the reverse complement: GANAB is on the minus strand); deleting any 2 consecutive bases within chr11:62,639,436-62,639,442 gives the same sequence; the c. name uses the placement nearest the transcript's 3' end. VCF-style (leftmost placement, unchanged base first): chr11-62639435-GGA-G. GRCh37 (hg19) VCF-style: chr11-62406907-GGA-G.
Other names: c.-122TC[2] (NM_001329222.2, NM_001329223.2); c.-607TC[2] (NM_001329224.2, NM_001329225.2); c.174_175del, p.Pro59fs (NM_198335.4); c.39-4441TC[2] (NM_001278193.2, NM_001278192.2); c.-40+186TC[2] (NM_001278194.2); short protein forms P59fs.
Identifiers: ClinVar variation 3236803 (VCV003236803.1), dbSNP rs2539030948.

ClinVar aggregate classification (germline): Likely pathogenic (1 of 4 stars; one submission).

Conditions:
Polycystic kidney disease 3 with or without polycystic liver disease. Also called: POLYCYSTIC KIDNEY DISEASE, ADULT, TYPE III; Polycystic kidney disease 3; Polycystic Kidney and/or Polycystic Liver Disease 3. Identifiers: MedGen C3887964, MONDO:0010916, OMIM 600666.

Submission:

MVZ Medizinische Genetik Mainz
Classification: Likely pathogenic for Polycystic kidney disease 3 with or without polycystic liver disease. Last evaluated: 2022-08-02. Review status: criteria provided, single submitter. Criteria: UK Practice Guidelines For Variant Classification V4 01 2020. Collection method: clinical testing. Allele origin: germline. Inheritance: Autosomal dominant inheritance. Affected: yes. Observed: 1 variant allele.
Comment: ACMG Criteria: PVS1, PM2_SUP (ACMG Version 4)